The following is an entry in ClinVar:

ClinVar aggregate classification (germline): Likely benign. Review status: criteria provided, multiple submitters, no conflicts (2 of 4 stars). 2 submissions from 2 submitters: Likely benign (2). Last evaluated 2025-08-19.

Conditions:
CDKN1C-related disorder. Also called: CDKN1C-related condition.
Beckwith-Wiedemann syndrome (BWS). Also called: EMG SYNDROME; Exomphalos macroglossia gigantism syndrome. Identifiers: Orphanet 116, MedGen C0004903, MONDO:0007534, OMIM 130650.

gnomAD v4.1: 8 of 1,506,718 alleles (0.00053%); highest among the groups gnomAD compares: Non-Finnish European, 0.00071%; no homozygotes.

Submissions (2):

PreventionGenetics, part of Exact Sciences
Classification: Likely benign for CDKN1C-related condition. Last evaluated: 2025-08-19. Review status: criteria provided, single submitter. Criteria: ACMG Guidelines, 2015. Collection method: clinical testing. Allele origin: germline.
Comment: This variant is classified as likely benign based on ACMG/AMP sequence variant interpretation guidelines (Richards et al. 2015 PMID: 25741868, with internal and published modifications).

Labcorp Genetics (formerly Invitae), Labcorp
Classification: Likely benign for Beckwith-Wiedemann syndrome. Last evaluated: 2025-02-10. Review status: criteria provided, single submitter. Criteria: Invitae Variant Classification Sherloc (09022015). Collection method: clinical testing. Allele origin: germline.

NM_001122630.2(CDKN1C):c.729C>T (p.Thr243=)

Gene: CDKN1C (cyclin dependent kinase inhibitor 1C; minus strand). Cytogenetic location: 11p15.4.
Variant type: single nucleotide variant.
Coding change: c.729C>T on transcript NM_001122630.2 (MANE Select); coding-DNA position 729, C replaced by T.
Protein change: p.Thr243=; no amino-acid change (threonine 243 retained).
Molecular consequence: synonymous variant. On other transcripts: intron variant (1).
Genome position (GRCh38, 1-based): chr11:2,884,728, G>A on the plus strand (C>T on the coding strand, the complement: CDKN1C is on the minus strand). VCF-style: chr11-2884728-G-A. GRCh37 (hg19) VCF-style: chr11-2905958-G-A.
Other names: c.762C>T, p.Thr254= (NM_000076.2, NM_001362474.2); c.729C>T, p.Thr243= (NM_001122631.2); c.255+474C>T (NM_001362475.2).
Identifiers: ClinVar variation 1105912 (VCV001105912.10), dbSNP rs1198470133, ClinGen allele CA472483351.